The following is an entry in ClinVar:

NM_000293.3(PHKB):c.1265dup (p.Asn422fs)

Gene: PHKB (phosphorylase kinase regulatory subunit beta; plus strand). Cytogenetic location: 16q12.1.
Variant type: Duplication.
Coding change: c.1265dup on transcript NM_000293.3 (MANE Select); coding-DNA position 1265, one base duplicated (A; older notation c.1265dupA).
Protein change: p.Asn422fs; shifts the reading frame from asparagine 422.
Molecular consequence: frameshift variant.
Genome position (GRCh38, 1-based): chr16:47,596,433, A duplicated; the last of 7 consecutive A bases (chr16:47,596,427-47,596,433); duplicating any one gives the same sequence. VCF-style (leftmost placement, unchanged base first): chr16-47596426-G-GA. GRCh37 (hg19) VCF-style: chr16-47630337-G-GA.
Other names: c.1244dup, p.Asn415fs (NM_001031835.3); c.1265dup, p.Asn422fs (NM_001363837.1); short protein forms N415fs, N422fs.
Identifiers: ClinVar variation 13617 (VCV000013617.4), dbSNP rs1454293516, ClinGen allele CA645594173.
Genomic context (GRCh38, chr16:47,596,426, plus strand): 5'-TCCATAGGATATCCTGTTGTACCAAAGTACTATTATGTGCCAGCTGACTTTGTAGAATAT[G>GA]AAAAAAATAACCCTGGTAGTCAAAAACGATTTCCTAGCAACTGTGGCCGTGATGGAAAAC-3'

ClinVar aggregate classification (germline): Pathogenic. Review status: criteria provided, multiple submitters, no conflicts (2 of 4 stars). 3 submissions from 3 submitters: Pathogenic (2). 1 of the submissions does not count toward it. Last evaluated 2026-05-20.

Conditions:
Glycogen storage disease IXb (GSD9B). Also called: GLYCOGENOSIS OF LIVER AND MUSCLE, AUTOSOMAL RECESSIVE; GSD IXb; PHOSPHORYLASE KINASE DEFICIENCY OF LIVER AND MUSCLE, AUTOSOMAL RECESSIVE. Identifiers: Orphanet 79240, MedGen C0543514, MONDO:0009868, OMIM 261750.

Submissions (3):

Laboratorio de Biologia Molecular - Genetica, Hospital de Pediatria Garrahan
Classification: Pathogenic for Glycogen storage disease IXb. Last evaluated: 2026-05-20. Review status: criteria provided, single submitter. Criteria: ACMG Guidelines, 2015. Collection method: clinical testing. Allele origin: germline. Affected: yes. Observed: 1 variant allele.
Comment: This sequence change creates a premature translational stop signal (p.Asn422Lysfs*2) in the PHKB gene. It is expected to result in an absent or disrupted protein product. Loss-of-function variants in PHKB are known to be pathogenic (PMID: 9215682, 9326319). This variant is not present in population databases (gnomAD no frequency). This premature translational stop signal has been observed in individual(s) with glycogen storage disease (PMID: 9215682). ClinVar contains an entry for this variant (Variation ID: 13617). For these reasons, this variant has been classified as Pathogenic.

Labcorp Genetics (formerly Invitae), Labcorp
Classification: Pathogenic for Glycogen storage disease IXb. Last evaluated: 2023-11-10. Review status: criteria provided, single submitter. Criteria: Invitae Variant Classification Sherloc (09022015). Collection method: clinical testing. Allele origin: germline.
Comment: the same text as in the submission from Laboratorio de Biologia Molecular - Genetica, Hospital de Pediatria Garrahan above.

OMIM
Classification: Pathogenic for GLYCOGEN STORAGE DISEASE IXb. Last evaluated: 1997-07-01. Review status: no assertion criteria provided. Collection method: literature only. Allele origin: germline. Not counted in ClinVar's aggregate classification.

Literature cited by the submitters: PubMed 9215682 (cited by Labcorp Genetics (formerly Invitae), Labcorp and OMIM); PubMed 9326319 (cited by Labcorp Genetics (formerly Invitae), Labcorp).